The following is an entry in ClinVar:

ClinVar aggregate classification (germline): Uncertain significance (1 of 4 stars; one submission).

Allele frequency attached by ClinVar (database versions not stated): gnomAD exomes 0.00001; ExAC 0.00002; TOPMed 0.00002.
gnomAD v4.1: 3 of 1,610,776 alleles (0.00019%); highest among the groups gnomAD compares: Admixed American, 0.005%; no homozygotes.

Submission:

Labcorp Genetics (formerly Invitae), Labcorp
Classification: Uncertain significance. Last evaluated: 2024-08-29. Review status: criteria provided, single submitter. Criteria: Invitae Variant Classification Sherloc (09022015). Collection method: clinical testing. Allele origin: germline.
Comment: This sequence change replaces lysine, which is basic and polar, with arginine, which is basic and polar, at codon 401 of the FSCN2 protein (p.Lys401Arg). This variant is present in population databases (rs773532409, gnomAD 0.009%). This variant has not been reported in the literature in individuals affected with FSCN2-related conditions. ClinVar contains an entry for this variant (Variation ID: 940063). An algorithm developed to predict the effect of missense changes on protein structure and function (PolyPhen-2) suggests that this variant is likely to be disruptive. In summary, the available evidence is currently insufficient to determine the role of this variant in disease. Therefore, it has been classified as a Variant of Uncertain Significance.

NM_012418.4(FSCN2):c.1130A>G (p.Lys377Arg)

Gene: FSCN2 (fascin actin-bundling protein 2, retinal; plus strand). Cytogenetic location: 17q25.3.
Variant type: single nucleotide variant.
Coding change: c.1130A>G on transcript NM_012418.4 (MANE Select); coding-DNA position 1130, A replaced by G.
Protein change: p.Lys377Arg; replaces lysine 377 with arginine.
Molecular consequence: missense variant.
Genome position (GRCh38, 1-based): chr17:81,536,646, A>G. VCF-style: chr17-81536646-A-G. GRCh37 (hg19) VCF-style: chr17-79503672-A-G.
Other names: c.1202A>G, p.Lys401Arg (NM_001077182.3); short protein forms K377R, K401R.
Identifiers: ClinVar variation 940063 (VCV000940063.9), dbSNP rs773532409, ClinGen allele CA8837014.